The following continues an entry in ClinVar:

NM_022552.5(DNMT3A):c.2645G>A (p.Arg882His)

Gene: DNMT3A. ClinVar aggregate classification (germline): Pathogenic/Likely pathogenic. Pathogenic (9); Likely pathogenic (5). ClinVar aggregate classification (somatic clinical impact): Tier II - Potential. ClinVar aggregate classification (oncogenicity): Oncogenic.

Submissions 11 to 22 of 22:

GeneDx
Classification: Pathogenic. Last evaluated: 2022-10-10. Review status: criteria provided, single submitter. Criteria: GeneDx Variant Classification Process June 2021. Collection method: clinical testing. Allele origin: germline. Affected: yes.
Comment: Published functional studies of HEK293T cells expressing the R882H variant demonstrate severely reduced methyltransferase activity compared to wild-type cells due to a dramatically reduced ability to homotetramerize (Russler-Germain et al., 2014); Reported as a hot spot location for somatic mutations in individuals with acute myeloid leukemia (AML), and thought to contribute to leukemogenesis by increasing CDK1 protein levels and enhancing cell-cycle activity (Xu et al., 2014); In silico analysis supports that this missense variant has a deleterious effect on protein structure/function; This variant is associated with the following publications: (PMID: 28667884, 30185810, 34788385, 24656771, 24497509, 27991732, 29349042, 29518238, 30245403, 28643785, 30017658, 28475857, 27701732, 28386848, 28941052, 31961069, 28252636)

Ambry Genetics
Classification: Pathogenic for Inborn genetic diseases. Last evaluated: 2022-10-06. Review status: criteria provided, single submitter. Criteria: Ambry Variant Classification Scheme 2023. Collection method: clinical testing. Allele origin: germline.
Comment: The c.2645G>A (p.R882H) alteration is located in exon 23 (coding exon 22) of the DNMT3A gene. This alteration results from a G to A substitution at nucleotide position 2645, causing the arginine (R) at amino acid position 882 to be replaced by a histidine (H). Based on data from gnomAD, the A allele has an overall frequency of 0.023% (64/282404) total alleles studied. The highest observed frequency was 0.055% (11/19926) of East Asian alleles. Additionally, this alteration has also been observed to occur sporadically in the population and proposed to be an early mutation in cancer initiation (Ley, 2010: Russler-Germain, 2014). Somatic mosaicism in individuals in general population databases cannot be ruled out. This variant has been determined to be the result of a de novo mutation or germline mosaicism in multiple individuals with clinical features of Tatton-Brown-Rahman syndrome, some of which later developed hematopoietic malignancies (Kosaki, 2017; Shen, 2017; Balci, 2020; Ferris, 2022; DECIPHER v.9.32). This alteration has been well described as a somatically acquired mutation associated with acute myeloid leukemia. It accounts for approximately 50% of all somatic DNMT3A mutations observed in AML cells (Ley, 2010, Russler-Germain, 2014). This nucleotide position is highly conserved in available vertebrate species. Functional studies indicate this alteration impairs DNA methyltransferase activity and results in hypomethylation at differentially-methylated regions within the genome (Russler-Germain, 2014; Emperle, 2018; Emperle, 2019; Nguyen, 2019; Norvil, 2020; Anteneh, 2020). This alteration is predicted to be deleterious by in silico analysis. Based on the available evidence, this alteration is classified as pathogenic.

Kariminejad - Najmabadi Pathology & Genetics Center
Classification: Likely pathogenic for Abnormality of the nervous system. Last evaluated: 2021-07-10. Review status: criteria provided, single submitter. Criteria: ACMG Guidelines, 2015. Collection method: clinical testing. Allele origin: germline. Affected: yes.

Laboratory for Molecular Medicine, Mass General Brigham Personalized Medicine
Classification: Likely pathogenic for Intellectual disability. Last evaluated: 2020-08-11. Review status: criteria provided, single submitter. Criteria: ACMG Guidelines, 2015. Collection method: clinical testing. Allele origin: germline.
Comment: The p.Arg882His variant in DNMT3A has been reported in 2 heterozygous individuals (one de novo) with Tatton-Brown-Rahman syndrome, one of who also developed acute myelogenous leukemia (Kosaki 2018 PMID: 27991732, Hollink 2017 PMID: 28432085). It has been reported in ClinVar (Variation ID 375881) and identified in 0.055% (11/19926) of East Asian chromosomes by gnomAD. Computational prediction tools and conservation analyses suggest that this variant may impact the protein, though this information is not predictive enough to determine pathogenicity. Another variant involving this codon (p.Arg882Cys) has been identified in 2 individuals (de novo) with Tatton-Brown-Rahman syndrome and this residue (Arg882) (including p.Arg882His) is the most frequent DNMT3A somatic mutation hotspot in AML (Tlemsani 2016 PMID: 27317772, Kosaki 2018 PMID: 27991732). In vitro functional studies further support an impact on protein function (Russler-Germain 2014 PMID: 24656771). It is possible that some DNMT3A variants may actually represent postzygotic clonal hematopoiesis rather than constitutional variants (see PMID 27546487; 25426838). In summary, although additional studies are required to fully establish its clinical significance, this variant meets criteria to be classified as likely pathogenic for autosomal dominant Tatton-Brown-Rahman syndrome. ACMG/AMP Criteria applied: PS2, PP3, PM5, PS3_Supporting, PS4_Supporting.

Juno Genomics, Hangzhou Juno Genomics, Inc
Classification: Likely pathogenic for Tatton-Brown-Rahman overgrowth syndrome; Acute myeloid leukemia; Heyn-Sproul-Jackson syndrome. Review status: criteria provided, single submitter. Criteria: ACMG Guidelines, 2015. Collection method: clinical testing. Allele origin: germline.
Comment: Absent from controls (or at extremely low frequency if recessive) in Genome Aggregation Database.;Multiple lines of computational evidence support a deleterious effect on the gene or gene product.;The prevalence of the variant in affected individuals is significantly increased compared to the prevalence in controls.;De novo (both maternity and paternity confirmed) in a patient with the disease and no family history.;Well-established in vitro or in vivo functional studies supportive of a damaging effect on the gene or gene product.

OMIM
Classification: Pathogenic for TATTON-BROWN-RAHMAN SYNDROME. Last evaluated: 2025-08-29. Review status: no assertion criteria provided. Collection method: literature only. Allele origin: unknown. Not counted in ClinVar's aggregate classification.

OMIM
Classification: Pathogenic for LEUKEMIA, ACUTE MYELOID, SOMATIC. Last evaluated: 2025-08-29. Review status: no assertion criteria provided. Collection method: literature only. Allele origin: somatic. Not counted in ClinVar's aggregate classification.

Molecular Diagnostics Laboratory, Fox Chase Cancer Center - Temple Health
Classification: Tier II - Potential for Acute myeloid leukemia. Assertion type: prognostic. Clinical significance: poor outcome. Last evaluated: 2024-01-24. Review status: no assertion criteria provided. Collection method: clinical testing. Allele origin: somatic. Affected: yes.

Sung Lab, Department of Medicine, Roswell Park Comprehensive Cancer Center
Classification: Pathogenic for Acute myeloid leukemia. Last evaluated: 2023-06-08. Review status: no assertion criteria provided. Collection method: clinical testing. Allele origin: somatic. Affected: yes. Not counted in ClinVar's aggregate classification.

Clinical Genetics Laboratory, University Hospital Schleswig-Holstein
Classification: Likely pathogenic for Acute myeloid leukemia. Last evaluated: 2021-08-06. Review status: no assertion criteria provided. Collection method: clinical testing. Allele origin: germline. Affected: yes. Not counted in ClinVar's aggregate classification.

Department of Clinical Pathology, School of Medicine, Fujita Health University
Classification: Pathogenic for EBV-positive nodal T- and NK-cell lymphoma. Review status: no assertion criteria provided. Collection method: research. Allele origin: unknown. Affected: yes. Not counted in ClinVar's aggregate classification.

Molecular Genetic Pathology Unit, University Of Rochester Medical Center
Classification: Pathogenic for Clonal Cytopenia of Undetermined Significance. Review status: no assertion criteria provided. Collection method: clinical testing. Allele origin: somatic. Not counted in ClinVar's aggregate classification.

Literature cited by the submitters: PubMed 22722925 (cited by Center for Genomic Medicine, Rigshospitalet, Copenhagen University Hospital and Labcorp Genetics (formerly Invitae), Labcorp); PubMed 31640986 (cited by Center for Genomic Medicine, Rigshospitalet, Copenhagen University Hospital and OMIM); PubMed 31164355 (cited by Center for Genomic Medicine, Rigshospitalet, Copenhagen University Hospital); PubMed 32015320 (cited by Center for Genomic Medicine, Rigshospitalet, Copenhagen University Hospital); PubMed 27991732 (cited by 5 submitters); PubMed 28252636 (cited by Clinical Genomic Analysis (GENYSIS) Core, University of North Carolina at Chapel Hill and Labcorp Genetics (formerly Invitae), Labcorp); PubMed 28941052 (cited by 3 submitters); PubMed 31961069 (cited by Clinical Genomic Analysis (GENYSIS) Core, University of North Carolina at Chapel Hill and Ambry Genetics); PubMed 34788385 (cited by Clinical Genomic Analysis (GENYSIS) Core, University of North Carolina at Chapel Hill and Ambry Genetics); PubMed 24622842 (cited by Labcorp Genetics (formerly Invitae), Labcorp); PubMed 24656771 (cited by Labcorp Genetics (formerly Invitae), Labcorp and Ambry Genetics); PubMed 26876596 (cited by Labcorp Genetics (formerly Invitae), Labcorp); PubMed 27317772 (cited by 3billion); PubMed 31620784 (cited by New York Genome Center and Ambry Genetics); PubMed 31582562 (cited by 3 submitters); PubMed 32385248 (cited by New York Genome Center and Ambry Genetics); PubMed 21067377 (cited by 3 submitters); PubMed 30185810 (cited by Ambry Genetics); PubMed 32123902 (cited by Ambry Genetics and OMIM); PubMed 40240595 (cited by OMIM); PubMed 40239706 (cited by OMIM); PubMed 28643785 (cited by Molecular Diagnostics Laboratory, Fox Chase Cancer Center - Temple Health); PubMed 24936645 (cited by Molecular Diagnostics Laboratory, Fox Chase Cancer Center - Temple Health); PubMed 21670448 (cited by Molecular Diagnostics Laboratory, Fox Chase Cancer Center - Temple Health); PubMed 22291079 (cited by Molecular Diagnostics Laboratory, Fox Chase Cancer Center - Temple Health); PubMed 23632886 (cited by Molecular Diagnostics Laboratory, Fox Chase Cancer Center - Temple Health).